The following is an entry in ClinVar:

ClinVar aggregate classification (germline): Uncertain significance. Review status: criteria provided, multiple submitters, no conflicts (2 of 4 stars). 2 submissions from 2 submitters: Uncertain significance (2). Last evaluated 2025-10-08.

Conditions:
Tumor predisposition syndrome 3 (TPDS3). Also called: LONG TELOMERE SYNDROME, POT1-RELATED; POT1 Tumor Predisposition; Glioma susceptibility 9; Melanoma, cutaneous malignant, susceptibility to, 10. Identifiers: Orphanet 618, MedGen C4014476, MONDO:0014368, OMIM 615848.
Hereditary cancer-predisposing syndrome. Also called: Hereditary Cancer Syndrome; Neoplastic Syndromes, Hereditary; Hereditary neoplastic syndrome; Tumor predisposition. Identifiers: Orphanet 140162, MedGen C0027672, MeSH D009386, MONDO:0015356.

gnomAD v4.1: 1 of 1,608,822 alleles (0.000062%); no homozygotes.

Submissions (2):

Labcorp Genetics (formerly Invitae), Labcorp
Classification: Uncertain significance for Tumor predisposition syndrome 3. Last evaluated: 2025-10-08. Review status: criteria provided, single submitter. Criteria: Invitae Variant Classification Sherloc (09022015). Collection method: clinical testing. Allele origin: germline.
Comment: This sequence change replaces valine, which is neutral and non-polar, with leucine, which is neutral and non-polar, at codon 612 of the POT1 protein (p.Val612Leu). This variant is not present in population databases (gnomAD no frequency). This variant has not been reported in the literature in individuals affected with POT1-related conditions. ClinVar contains an entry for this variant (Variation ID: 1426467). Invitae Evidence Modeling of protein sequence and biophysical properties (such as structural, functional, and spatial information, amino acid conservation, physicochemical variation, residue mobility, and thermodynamic stability) indicates that this missense variant is not expected to disrupt POT1 protein function with a negative predictive value of 80%. In summary, the available evidence is currently insufficient to determine the role of this variant in disease. Therefore, it has been classified as a Variant of Uncertain Significance.

Ambry Genetics
Classification: Uncertain significance for Hereditary cancer-predisposing syndrome. Last evaluated: 2024-08-17. Review status: criteria provided, single submitter. Criteria: Ambry Variant Classification Scheme 2023. Collection method: clinical testing. Allele origin: germline.
Comment: The p.V612L variant (also known as c.1834G>C), located in coding exon 15 of the POT1 gene, results from a G to C substitution at nucleotide position 1834. The valine at codon 612 is replaced by leucine, an amino acid with highly similar properties. This amino acid position is well conserved in available vertebrate species. In addition, this alteration is predicted to be tolerated by in silico analysis. Since supporting evidence is limited at this time, the clinical significance of this alteration remains unclear.

NM_015450.3(POT1):c.1834G>C (p.Val612Leu)

Gene: POT1 (protection of telomeres 1; minus strand). Cytogenetic location: 7q31.33.
Variant type: single nucleotide variant.
Coding change: c.1834G>C on transcript NM_015450.3 (MANE Select); coding-DNA position 1834, G replaced by C.
Protein change: p.Val612Leu; replaces valine 612 with leucine.
Molecular consequence: missense variant. On other transcripts: non-coding transcript variant (3).
Genome position (GRCh38, 1-based): chr7:124,824,033, C>G on the plus strand (G>C on the coding strand, the complement: POT1 is on the minus strand). VCF-style: chr7-124824033-C-G. GRCh37 (hg19) VCF-style: chr7-124464087-C-G.
Other names: c.1441G>C, p.Val481Leu (NM_001042594.2); short protein forms V481L, V612L.
Identifiers: ClinVar variation 1426467 (VCV001426467.11), dbSNP rs1554414690, ClinGen allele CA369061202.